The following is an entry in ClinVar:

ClinVar aggregate classification (germline): Uncertain significance. Review status: criteria provided, multiple submitters, no conflicts (2 of 4 stars). 3 submissions from 3 submitters: Uncertain significance (2). 1 of the submissions does not count toward it. Last evaluated 2024-09-23.

Conditions:
CHRNA2-related disorder. Also called: CHRNA2-related condition.
Familial sleep-related hypermotor epilepsy. Also called: Autosomal Dominant Sleep-Related Hypermotor (Hyperkinetic) Epilepsy. Identifiers: Orphanet 98784, MedGen C3696898, MONDO:0000030.
Inborn genetic diseases. Identifiers: MedGen C0950123, MeSH D030342.

Allele frequency attached by ClinVar (database versions not stated): gnomAD exomes below 0.00001; gnomAD 0.00001.
gnomAD v4.1: 3 of 1,588,828 alleles (0.00019%); highest among the groups gnomAD compares: Non-Finnish European, 0.00017%; no homozygotes.

Submissions (3):

Ambry Genetics
Classification: Uncertain significance for Inborn genetic diseases. Last evaluated: 2024-09-23. Review status: criteria provided, single submitter. Criteria: Ambry Variant Classification Scheme 2023. Collection method: clinical testing. Allele origin: germline.
Comment: Loss of function has not been established as a mechanism of disease Based on insufficient or conflicting evidence, the clinical significance of this alteration remains unclear.

Labcorp Genetics (formerly Invitae), Labcorp
Classification: Uncertain significance. Last evaluated: 2024-01-22. Review status: criteria provided, single submitter. Criteria: Invitae Variant Classification Sherloc (09022015). Collection method: clinical testing. Allele origin: germline.
Comment: This sequence change creates a premature translational stop signal (p.Glu411*) in the CHRNA2 gene. It is expected to result in an absent or disrupted protein product. However, the current clinical and genetic evidence is not sufficient to establish whether loss-of-function variants in CHRNA2 cause disease. The frequency data for this variant in the population databases is considered unreliable, as metrics indicate poor data quality at this position in the gnomAD database. This variant has not been reported in the literature in individuals affected with CHRNA2-related conditions. ClinVar contains an entry for this variant (Variation ID: 1428852). In summary, the available evidence is currently insufficient to determine the role of this variant in disease. Therefore, it has been classified as a Variant of Uncertain Significance.

PreventionGenetics, part of Exact Sciences
Classification: Uncertain significance for CHRNA2-related condition. Last evaluated: 2024-07-13. Review status: no assertion criteria provided. Collection method: clinical testing. Allele origin: germline. Not counted in ClinVar's aggregate classification.
Comment: The CHRNA2 c.1231G>T variant is predicted to result in premature protein termination (p.Glu411*). To our knowledge, this variant has not been reported in the literature. This variant is reported in 0.00094% of alleles in individuals of European (Non-Finnish) descent in gnomAD. Loss-of-function is not an established mechanism of CHRNA2-related disease. Although we suspect that this variant may be pathogenic, at this time, the clinical significance of this variant is uncertain due to the absence of conclusive functional and genetic evidence.

NM_000742.4(CHRNA2):c.1231G>T (p.Glu411Ter)

Gene: CHRNA2 (cholinergic receptor nicotinic alpha 2 subunit; minus strand). Cytogenetic location: 8p21.2.
Variant type: single nucleotide variant.
Coding change: c.1231G>T on transcript NM_000742.4 (MANE Select); coding-DNA position 1231, G replaced by T.
Protein change: p.Glu411Ter; replaces glutamic acid 411 with a stop codon.
Molecular consequence: nonsense.
Genome position (GRCh38, 1-based): chr8:27,463,212, C>A on the plus strand (G>T on the coding strand, the complement: CHRNA2 is on the minus strand). VCF-style: chr8-27463212-C-A. GRCh37 (hg19) VCF-style: chr8-27320729-C-A.
Other names: c.1231G>T (NM_000742.3); c.1186G>T, p.Glu396Ter (NM_001282455.2); c.754G>T, p.Glu252Ter (NM_001347705.2, NM_001347706.2); c.637G>T, p.Glu213Ter (NM_001347707.2, NM_001347708.2); short protein forms E213*, E396*, E411*, E252*.
Identifiers: ClinVar variation 1428852 (VCV001428852.8), dbSNP rs1328911807, ClinGen allele CA370809102.